The following is an entry in ClinVar:

NM_001195263.2(PDZD7):c.2027_2028del (p.Leu676fs)

Gene: PDZD7 (PDZ domain containing 7; minus strand). Cytogenetic location: 10q24.31.
Variant type: Deletion.
Coding change: c.2027_2028del on transcript NM_001195263.2 (MANE Select); coding-DNA positions 2027 to 2028, 2 bases deleted (TG; older notation c.2027_2028delTG).
Protein change: p.Leu676fs; shifts the reading frame from leucine 676.
Molecular consequence: frameshift variant.
Genome position (GRCh38, 1-based): chr10:101,010,861-101,010,862, CA deleted on the plus strand (TG on the coding strand, the reverse complement: PDZD7 is on the minus strand). VCF-style (leftmost placement, unchanged base first): chr10-101010860-GCA-G. GRCh37 (hg19) VCF-style: chr10-102770617-GCA-G.
Other names: short protein forms L676fs.
Identifiers: ClinVar variation 2771991 (VCV002771991.3), dbSNP rs2492784558, ClinGen allele CA2697558747.
Genomic context (GRCh38, chr10:101,010,860, plus strand): 5'-CCCCCAGCCGCTCCCTCAGCTCCCCATTATCTTCCTCTTCCGGGAAGCCGTTCACCGGCA[GCA>G]GGTAGAAGCCTCCGCGGCTGTCTGGGGAAGAGCGCCAAGGTCAGCTGCCCACTCCTCCCC-3'

ClinVar aggregate classification (germline): Pathogenic (1 of 4 stars; one submission).

Submission:

Labcorp Genetics (formerly Invitae), Labcorp
Classification: Pathogenic. Last evaluated: 2023-06-05. Review status: criteria provided, single submitter. Criteria: Invitae Variant Classification Sherloc (09022015). Collection method: clinical testing. Allele origin: germline.
Comment: For these reasons, this variant has been classified as Pathogenic. This variant has not been reported in the literature in individuals affected with PDZD7-related conditions. This variant is not present in population databases (gnomAD no frequency). This sequence change creates a premature translational stop signal (p.Leu676Profs*12) in the PDZD7 gene. It is expected to result in an absent or disrupted protein product. Loss-of-function variants in PDZD7 are known to be pathogenic (PMID: 20440071).

Literature cited by the submitters: PubMed 20440071.